The following is an entry in ClinVar:

ClinVar aggregate classification (germline): Pathogenic (1 of 4 stars; one submission).

Conditions:
Neurofibromatosis, type 1 (NF1). Also called: VON RECKLINGHAUSEN DISEASE; NEUROFIBROMATOSIS, TYPE I, SOMATIC; Peripheral type neurofibromatosis; Neurofibromatosis, type I. Identifiers: Orphanet 636, MedGen C0027831, MONDO:0018975, OMIM 162200. Disease mechanism: loss of function.

Submission:

Labcorp Genetics (formerly Invitae), Labcorp
Classification: Pathogenic for Neurofibromatosis, type 1. Last evaluated: 2017-06-16. Review status: criteria provided, single submitter. Criteria: Invitae Variant Classification Sherloc (09022015). Collection method: clinical testing. Allele origin: germline.
Comment: Loss-of-function variants in NF1 are known to be pathogenic (PMID: 10712197, 23913538). For these reasons, this variant has been classified as Pathogenic. Deletion of exons 36-44 has not been reported in the literature in individuals with an NF1-related disease. This variant is an out-of-frame deletion of the genomic region encompassing exons 36-44 of the NF1 gene. This creates a premature translational stop signal and is expected to result in an absent or disrupted protein product.

Literature cited by the submitters: PubMed 10712197; PubMed 23913538.

NC_000017.11:g.(?_31325814)_(31338145_?)del

Gene: NF1 (neurofibromin 1; plus strand). Cytogenetic location: 17q11.2.
Variant type: Deletion.
Identifiers: ClinVar variation 457508 (VCV000457508.3).